The following is an entry in ClinVar:

NM_002471.4(MYH6):c.4920G>C (p.Glu1640Asp)

Genes: MYH6 (myosin heavy chain 6; minus strand), LOC126861896 (BRD4-independent group 4 enhancer GRCh37_chr14:23854904-23856103; plus strand). Cytogenetic location: 14q11.2.
Variant type: single nucleotide variant.
Coding change: c.4920G>C on transcript NM_002471.4 (MANE Select); coding-DNA position 4920, G replaced by C.
Protein change: p.Glu1640Asp; replaces glutamic acid 1640 with aspartic acid.
Molecular consequence: missense variant.
Genome position (GRCh38, 1-based): chr14:23,386,354, C>G on the plus strand (G>C on the coding strand, the complement: MYH6 is on the minus strand). VCF-style: chr14-23386354-C-G. GRCh37 (hg19) VCF-style: chr14-23855563-C-G.
Other names: short protein forms E1640D.
Identifiers: ClinVar variation 657864 (VCV000657864.11), dbSNP rs777323881, ClinGen allele CA388991117.
Genomic context (GRCh38, chr14:23,386,354, plus strand): 5'-GGACCTCCCGCCCCCATGTACCTTCAGCAAGCTCTGGAGGCTCTTGACTTGCTTCTGGGC[C>G]TCGGCAGCCATGCGGTTGGCGTGGCTGAGCTGGATCTCCATCTCATTGAGGTCTCCTTCC-3'
Protein context (NP_002462.2, residues 1630-1650): QLSHANRMAA[Glu1640Asp]AQKQVKSLQS

ClinVar aggregate classification (germline): Uncertain significance (1 of 4 stars; one submission).

Conditions:
Hypertrophic cardiomyopathy 14. Identifiers: MedGen C2750467, MONDO:0013197, OMIM 613251.

Submission:

Labcorp Genetics (formerly Invitae), Labcorp
Classification: Uncertain significance for Hypertrophic cardiomyopathy 14. Last evaluated: 2023-05-22. Review status: criteria provided, single submitter. Criteria: Invitae Variant Classification Sherloc (09022015). Collection method: clinical testing. Allele origin: germline.
Comment: This sequence change replaces glutamic acid, which is acidic and polar, with aspartic acid, which is acidic and polar, at codon 1640 of the MYH6 protein (p.Glu1640Asp). In summary, the available evidence is currently insufficient to determine the role of this variant in disease. Therefore, it has been classified as a Variant of Uncertain Significance. Advanced modeling of protein sequence and biophysical properties (such as structural, functional, and spatial information, amino acid conservation, physicochemical variation, residue mobility, and thermodynamic stability) performed at Invitae indicates that this missense variant is not expected to disrupt MYH6 protein function. ClinVar contains an entry for this variant (Variation ID: 657864). This variant has not been reported in the literature in individuals affected with MYH6-related conditions. This variant is not present in population databases (gnomAD no frequency).